The following is an entry in ClinVar:

NM_001365951.3(KIF1B):c.2210-3C>T

Gene: KIF1B (kinesin family member 1B; plus strand). Cytogenetic location: 1p36.22.
Variant type: single nucleotide variant.
Coding change: c.2210-3C>T on transcript NM_001365951.3 (MANE Select); 3 bases into the intron before coding-DNA position 2210, C replaced by T.
Molecular consequence: intron variant.
Genome position (GRCh38, 1-based): chr1:10,321,706, C>T. VCF-style: chr1-10321706-C-T. GRCh37 (hg19) VCF-style: chr1-10381764-C-T.
Other names: c.2072-3C>T (NM_015074.3); c.2210-3C>T (NM_001365952.1).
Identifiers: ClinVar variation 5038357 (VCV005038357.1).

ClinVar aggregate classification (germline): Uncertain significance (1 of 4 stars; one submission).

Conditions:
Neuroblastoma, susceptibility to, 1. Identifiers: MedGen C2749485, MONDO:0009741, OMIM 256700.

Submission:

St. Jude Molecular Pathology, St. Jude Children's Research Hospital
Classification: Uncertain significance for Neuroblastoma, susceptibility to, 1. Last evaluated: 2026-10-01. Review status: criteria provided, single submitter. Criteria: St. Jude Assertion Criteria 2020. Collection method: clinical testing. Allele origin: germline.
Comment: The KIF1B c.2072-3C>T intronic change results in a C to T substitution at the -3 position of intron 21 of the KIF1B gene. Algorithms that predict the impact of sequence changes indicate that this variant likely does not affect splicing, but to our knowledge these predictions have not been confirmed by RNA studies. This variant is absent in gnomA D v2.1.1. To our knowledge, this variant has not been reported in individuals with pheochromocytoma or neuroblastoma. In summary, the evidence currently available is insufficient to determine the clinical significance of this variant. It has therefore been classified as of uncertain significance.